The following is an entry in ClinVar:

NM_001098537.3(PNPLA7):c.3443G>A (p.Gly1148Glu)

Gene: PNPLA7 (patatin like domain 7, lysophospholipase; minus strand). Cytogenetic location: 9q34.3.
Variant type: single nucleotide variant.
Coding change: c.3443G>A on transcript NM_001098537.3 (MANE Select); coding-DNA position 3443, G replaced by A.
Protein change: p.Gly1148Glu; replaces glycine 1148 with glutamic acid.
Molecular consequence: missense variant.
Genome position (GRCh38, 1-based): chr9:137,462,734, C>T on the plus strand (G>A on the coding strand, the complement: PNPLA7 is on the minus strand). VCF-style: chr9-137462734-C-T. GRCh37 (hg19) VCF-style: chr9-140357186-C-T.
Other names: c.3368G>A, p.Gly1123Glu (NM_152286.5); c.3443G>A (NM_001098537.1); short protein forms G1123E, G1148E.
Identifiers: ClinVar variation 986394 (VCV000986394.3), dbSNP rs141473646, ClinGen allele CA5370942.

ClinVar aggregate classification (germline): Uncertain significance. Review status: criteria provided, multiple submitters, no conflicts (2 of 4 stars). 2 submissions from 2 submitters: Uncertain significance (2). Last evaluated 2024-08-07.

Conditions:
Peripheral neuropathy, autosomal recessive, with or without impaired intellectual development. Identifiers: MedGen C4748283, MONDO:0029131, OMIM 618124.

Allele frequency attached by ClinVar (database versions not stated): 1000 Genomes Project 30x 0.00031; 1000 Genomes Project 0.00040; gnomAD exomes 0.00059 and 0.00125; ExAC 0.00067; ESP Exome Variant Server 0.00069; TOPMed 0.00074; gnomAD 0.00086 and 0.00088.
gnomAD v4.1: 1,976 of 1,614,000 alleles (0.12%); highest among the groups gnomAD compares: Non-Finnish European, 0.15%; 5 homozygotes.

Submissions (2):

Ambry Genetics
Classification: Uncertain significance. Last evaluated: 2024-08-07. Review status: criteria provided, single submitter. Criteria: Ambry Variant Classification Scheme 2023. Collection method: clinical testing. Allele origin: germline.

Broad Center for Mendelian Genomics, Broad Institute of MIT and Harvard
Classification: Uncertain significance for Peripheral neuropathy, autosomal recessive, with or without impaired intellectual development. Last evaluated: 2020-11-16. Review status: criteria provided, single submitter. Criteria: ACMG Guidelines, 2015. Collection method: curation. Allele origin: germline.
Comment: The variant has not been previously reported in individuals with neurodevelopmental disease but has been identified in 0.1% (133/128512) of European non-Finnish chromosomes and 1 homozygote by the Genome Aggregation Database (gnomAD; dbSNP ID: rs141473646). Computational prediction tools and conservation analyses do not provide strong support for or against an impact to the protein. Furthermore, although this gene has been reported in association with neurodevelopmental disease, it currently has limited evidence for these associations. In summary, the clinical significance of the p.Gly1148Glu variant is uncertain. ACMG/AMP Criteria applied: BS1 (Richards 2015).